The following is an entry in ClinVar:

ClinVar aggregate classification (germline): Uncertain significance (1 of 4 stars; one submission).

Conditions:
Hereditary cancer-predisposing syndrome. Also called: Neoplastic Syndromes, Hereditary; Tumor predisposition; Hereditary neoplastic syndrome; Hereditary Cancer Syndrome. Identifiers: Orphanet 140162, MedGen C0027672, MeSH D009386, MONDO:0015356.

Submission:

Ambry Genetics
Classification: Uncertain significance for Hereditary cancer-predisposing syndrome. Last evaluated: 2022-12-18. Review status: criteria provided, single submitter. Criteria: Ambry Variant Classification Scheme 2023. Collection method: clinical testing. Allele origin: germline.
Comment: The p.L250F variant (also known as c.750A>T), located in coding exon 4 of the PALB2 gene, results from an A to T substitution at nucleotide position 750. The leucine at codon 250 is replaced by phenylalanine, an amino acid with highly similar properties. This amino acid position is conserved. In addition, this alteration is predicted to be tolerated by in silico analysis. Since supporting evidence is limited at this time, the clinical significance of this alteration remains unclear.

NM_024675.4(PALB2):c.750A>T (p.Leu250Phe)

Gene: PALB2 (partner and localizer of BRCA2; minus strand). Cytogenetic location: 16p12.2.
Variant type: single nucleotide variant.
Coding change: c.750A>T on transcript NM_024675.4 (MANE Select); coding-DNA position 750, A replaced by T.
Protein change: p.Leu250Phe; replaces leucine 250 with phenylalanine.
Molecular consequence: missense variant. On other transcripts: 5 prime UTR variant (8), intron variant (3).
Genome position (GRCh38, 1-based): chr16:23,635,796, T>A on the plus strand (A>T on the coding strand, the complement: PALB2 is on the minus strand). VCF-style: chr16-23635796-T-A. GRCh37 (hg19) VCF-style: chr16-23647117-T-A.
Other names: c.690A>T, p.Leu230Phe (NM_001407296.1); c.750A>T, p.Leu250Phe (NM_001407297.1, NM_001407298.1, NM_001407299.1 and 3 more transcripts); c.-136A>T (NM_001407304.1, NM_001407305.1, NM_001407306.1 and 5 more transcripts); c.48+5314A>T (NM_001407314.1); c.-105+5314A>T (NM_001407313.1, NM_001407312.1); short protein forms L230F, L250F.
Identifiers: ClinVar variation 2453292 (VCV002453292.2), dbSNP rs2142435624, ClinGen allele CA395136194.